The following is an entry in ClinVar:

ClinVar aggregate classification (germline): Uncertain significance (1 of 4 stars; one submission).

Submission:

Ambry Genetics
Classification: Uncertain significance. Last evaluated: 2025-01-10. Review status: criteria provided, single submitter. Criteria: Ambry Variant Classification Scheme 2023. Collection method: clinical testing. Allele origin: germline.
Comment: The p.E630D variant (also known as c.1890A>C), located in coding exon 13 of the GEN1 gene, results from an A to C substitution at nucleotide position 1890. The glutamic acid at codon 630 is replaced by aspartic acid, an amino acid with highly similar properties. This amino acid position is conserved. In addition, this alteration is predicted to be tolerated by in silico analysis. Based on the available evidence, the clinical significance of this variant remains unclear.

NM_001130009.3(GEN1):c.1890A>C (p.Glu630Asp)

Gene: GEN1 (GEN1 Holliday junction 5' flap endonuclease; plus strand). Cytogenetic location: 2p24.2.
Variant type: single nucleotide variant.
Coding change: c.1890A>C on transcript NM_001130009.3 (MANE Select); coding-DNA position 1890, A replaced by C.
Protein change: p.Glu630Asp; replaces glutamic acid 630 with aspartic acid.
Molecular consequence: missense variant.
Genome position (GRCh38, 1-based): chr2:17,781,102, A>C. VCF-style: chr2-17781102-A-C. GRCh37 (hg19) VCF-style: chr2-17962369-A-C.
Other names: c.1890A>C, p.Glu630Asp (NM_182625.5); short protein forms E630D.
Identifiers: ClinVar variation 3853500 (VCV003853500.1).